The following is an entry in ClinVar:

ClinVar aggregate classification (germline): Pathogenic (1 of 4 stars; one submission).

Conditions:
Isolated microphthalmia 5. Also called: Posterior Microphthalmia with Retinitis Pigmentosa, Foveoschisis, and Optic Disc Drusen. Identifiers: Orphanet 251279, MedGen C1970236, MONDO:0012605, OMIM 611040.

Submission:

Labcorp Genetics (formerly Invitae), Labcorp
Classification: Pathogenic for Isolated microphthalmia 5. Last evaluated: 2023-05-18. Review status: criteria provided, single submitter. Criteria: Invitae Variant Classification Sherloc (09022015). Collection method: clinical testing. Allele origin: germline.
Comment: This sequence change creates a premature translational stop signal (p.Ser193Cysfs*7) in the MFRP gene. It is expected to result in an absent or disrupted protein product. Loss-of-function variants in MFRP are known to be pathogenic (PMID: 12140190, 15976030, 20361016). For these reasons, this variant has been classified as Pathogenic. This premature translational stop signal has been observed in individual(s) with MFRP-related conditions (PMID: 31266062). This variant is not present in population databases (gnomAD no frequency).

Literature cited by the submitters: PubMed 12140190; PubMed 15976030; PubMed 20361016; PubMed 31266062.

NM_031433.4(MFRP):c.577_578del (p.Ser193fs)

Genes: C1QTNF5 (C1q and TNF related 5; minus strand), MFRP (membrane frizzled-related protein; minus strand). Cytogenetic location: 11q23.3.
Variant type: Microsatellite.
Coding change: c.577_578del on transcript NM_031433.4 (MANE Select); coding-DNA positions 577 to 578, 2 bases deleted (AG; older notation c.577_578delAG).
Protein change: p.Ser193fs; shifts the reading frame from serine 193.
Molecular consequence: frameshift variant. On other transcripts: 5 prime UTR variant (1).
Genome position (GRCh38, 1-based): chr11:119,345,483-119,345,484, CT deleted on the plus strand (AG on the coding strand, the reverse complement: MFRP is on the minus strand); deleting any 2 consecutive bases within chr11:119,345,483-119,345,488 gives the same sequence; the c. name uses the placement nearest the transcript's 3' end. VCF-style (leftmost placement, unchanged base first): chr11-119345482-ACT-A. GRCh37 (hg19) VCF-style: chr11-119216192-ACT-A.
Other names: c.-2064AG[2] (NM_015645.5); short protein forms S193fs.
Identifiers: ClinVar variation 2907420 (VCV002907420.3), dbSNP rs1950553695, ClinGen allele CA2003924409.